The following is an entry in ClinVar:

NM_152296.5(ATP1A3):c.1475G>A (p.Arg492Gln)

Gene: ATP1A3 (ATPase Na+/K+ transporting subunit alpha 3; minus strand). Cytogenetic location: 19q13.2.
Variant type: single nucleotide variant.
Coding change: c.1475G>A on transcript NM_152296.5 (MANE Select); coding-DNA position 1475, G replaced by A.
Protein change: p.Arg492Gln; replaces arginine 492 with glutamine.
Molecular consequence: missense variant.
Genome position (GRCh38, 1-based): chr19:41,978,761, C>T on the plus strand (G>A on the coding strand, the complement: ATP1A3 is on the minus strand). VCF-style: chr19-41978761-C-T. GRCh37 (hg19) VCF-style: chr19-42482913-C-T.
Other names: c.1508G>A, p.Arg503Gln (NM_001256213.2); c.1514G>A, p.Arg505Gln (NM_001256214.2); c.1475G>A (NM_152296.4); short protein forms R492Q, R503Q, R505Q.
Identifiers: ClinVar variation 3338253 (VCV003338253.5).

ClinVar aggregate classification (germline): Conflicting classifications of pathogenicity. Review status: criteria provided, conflicting classifications (1 of 4 stars). 4 submissions from 4 submitters: Uncertain significance (3); Benign (1). Last evaluated 2024-11-26.

Conditions:
Dystonia 12 (DYT12). Also called: DYT-ATP1A3; Rapid-Onset Dystonia-Parkinsonism (RDP). Identifiers: Orphanet 71517, MedGen C1868681, MONDO:0007496, OMIM 128235.
Alternating hemiplegia of childhood 2 (AHC2). Also called: Alternating Hemiplegia of Childhood (AHC). Identifiers: Orphanet 2131, MedGen C3553788, MONDO:0013900, OMIM 614820.

gnomAD v4.1: 14 of 1,614,044 alleles (0.00087%); highest among the groups gnomAD compares: Admixed American, 0.0017%; no homozygotes.

Submissions (4):

Revvity Omics, Revvity
Classification: Uncertain significance. Last evaluated: 2024-11-26. Review status: criteria provided, single submitter. Criteria: ACMG Guidelines, 2015. Collection method: clinical testing. Allele origin: germline.

Dr.Nikuei Genetic Center
Classification: Benign for Alternating hemiplegia of childhood 2. Last evaluated: 2024-07-10. Review status: criteria provided, single submitter. Criteria: ACMG Guidelines, 2015. Collection method: clinical testing. Allele origin: germline. Affected: no.

Labcorp Genetics (formerly Invitae), Labcorp
Classification: Uncertain significance for Dystonia 12. Last evaluated: 2024-04-17. Review status: criteria provided, single submitter. Criteria: Invitae Variant Classification Sherloc (09022015). Collection method: clinical testing. Allele origin: germline.
Comment: This sequence change replaces arginine, which is basic and polar, with glutamine, which is neutral and polar, at codon 492 of the ATP1A3 protein (p.Arg492Gln). This variant is present in population databases (rs564392504, gnomAD 0.003%). This variant has not been reported in the literature in individuals affected with ATP1A3-related conditions. Advanced modeling of protein sequence and biophysical properties (such as structural, functional, and spatial information, amino acid conservation, physicochemical variation, residue mobility, and thermodynamic stability) has been performed at Invitae for this missense variant, however the output from this modeling did not meet the statistical confidence thresholds required to predict the impact of this variant on ATP1A3 protein function. In summary, the available evidence is currently insufficient to determine the role of this variant in disease. Therefore, it has been classified as a Variant of Uncertain Significance.

GeneDx
Classification: Uncertain significance. Last evaluated: 2023-06-07. Review status: criteria provided, single submitter. Criteria: GeneDx Variant Classification Process June 2021. Collection method: clinical testing. Allele origin: germline. Affected: yes.
Comment: Not observed at significant frequency in large population cohorts (gnomAD); In silico analysis supports that this missense variant does not alter protein structure/function; Has not been previously published as pathogenic or benign to our knowledge